The following is an entry in ClinVar:

NM_000179.3(MSH6):c.3438+9T>G

Gene: MSH6 (mutS homolog 6; plus strand). Cytogenetic location: 2p16.3.
Variant type: single nucleotide variant.
Coding change: c.3438+9T>G on transcript NM_000179.3 (MANE Select); 9 bases into the intron after coding-DNA position 3438, T replaced by G.
Molecular consequence: intron variant.
Genome position (GRCh38, 1-based): chr2:47,803,694, T>G. VCF-style: chr2-47803694-T-G. GRCh37 (hg19) VCF-style: chr2-48030833-T-G.
Other names: c.3438+9T>G (NM_001406809.1, NM_001406796.1, NM_001406808.1 and 1 more transcripts); c.2532+9T>G (NM_001406811.1, NM_001406814.1, NM_001281493.2 and 6 more transcripts); c.3141+9T>G (NM_001406805.1, NM_001406797.1, NM_001406801.1 and 10 more transcripts); c.3534+9T>G (NM_001406795.1, NM_001406802.1); c.3444+9T>G (NM_001406813.1); c.2913+9T>G (NM_001406807.1, NM_001406799.1, NM_001406806.1); c.3264+9T>G (NM_001406798.1); c.2574+9T>G (NM_001406803.1); and 7 more.
Identifiers: ClinVar variation 3903951 (VCV003903951.1).

ClinVar aggregate classification (germline): Likely benign (1 of 4 stars; one submission).

Conditions:
Lynch syndrome 5 (LYNCH5). Also called: Colorectal cancer, hereditary nonpolyposis, type 5; Hereditary non-polyposis colorectal cancer, type 5. Identifiers: Orphanet 144, MedGen C1833477, MONDO:0013710, OMIM 614350. Disease mechanism: loss of function.

Submission:

Myriad Genetics, Inc.
Classification: Likely benign for Lynch syndrome 5. Last evaluated: 2025-01-06. Review status: criteria provided, single submitter. Criteria: Myriad Autosomal Dominant, Autosomal Recessive and X-Linked Classification Criteria (2023). Collection method: clinical testing. Allele origin: unknown.
Comment: This variant is considered likely benign. This variant is intronic and is not expected to impact mRNA splicing.